The following is an entry in ClinVar:

NM_000051.4(ATM):c.3564C>A (p.His1188Gln)

Gene: ATM (ATM serine/threonine kinase; plus strand). Cytogenetic location: 11q22.3.
Variant type: single nucleotide variant.
Coding change: c.3564C>A on transcript NM_000051.4 (MANE Select); coding-DNA position 3564, C replaced by A.
Protein change: p.His1188Gln; replaces histidine 1188 with glutamine.
Molecular consequence: missense variant.
Genome position (GRCh38, 1-based): chr11:108,281,156, C>A. VCF-style: chr11-108281156-C-A. GRCh37 (hg19) VCF-style: chr11-108151883-C-A.
Other names: c.3564C>A, p.His1188Gln (NM_001351834.2); short protein forms H1188Q.
Identifiers: ClinVar variation 3720449 (VCV003720449.2).
Genomic context (GRCh38, chr11:108,281,156, plus strand): 5'-CGAAAAACAGGCTTTGTTTGCCCTGTGTAAATCTGTGAAAGAGAATGGATTAGAACCTCA[C>A]CTTGTGAAAAAGGTATATATGGATGAGTATTTTATTAGAAGCTTCCTTAGGTCACTGTGA-3'
Protein context (NP_000042.3, residues 1178-1198): KSVKENGLEP[His1188Gln]LVKKVLEKVS

ClinVar aggregate classification (germline): Uncertain significance (1 of 4 stars; one submission).

Conditions:
Ataxia-telangiectasia syndrome (AT). Also called: ATAXIA-TELANGIECTASIA, COMPLEMENTATION GROUP A; ATAXIA-TELANGIECTASIA, FRESNO VARIANT; Ataxia-telangiectasia; Ataxia-telangiectasia, complementation group E; Ataxia telangiectasia (A-T); LOUIS-BAR SYNDROME. Identifiers: Orphanet 100, MedGen C0004135, MONDO:0008840, OMIM 208900.

Submission:

Labcorp Genetics (formerly Invitae), Labcorp
Classification: Uncertain significance for Ataxia-telangiectasia syndrome. Last evaluated: 2025-01-14. Review status: criteria provided, single submitter. Criteria: Invitae Variant Classification Sherloc (09022015). Collection method: clinical testing. Allele origin: germline.
Comment: This sequence change replaces histidine, which is basic and polar, with glutamine, which is neutral and polar, at codon 1188 of the ATM protein (p.His1188Gln). This variant is not present in population databases (gnomAD no frequency). This variant has not been reported in the literature in individuals affected with ATM-related conditions. Invitae Evidence Modeling of protein sequence and biophysical properties (such as structural, functional, and spatial information, amino acid conservation, physicochemical variation, residue mobility, and thermodynamic stability) indicates that this missense variant is not expected to disrupt ATM protein function with a negative predictive value of 95%. In summary, the available evidence is currently insufficient to determine the role of this variant in disease. Therefore, it has been classified as a Variant of Uncertain Significance.